The following is an entry in ClinVar:

ClinVar aggregate classification (germline): Uncertain significance (1 of 4 stars; one submission).

Conditions:
Charcot-Marie-Tooth disease dominant intermediate C (CMTDIC). Also called: CHARCOT-MARIE-TOOTH NEUROPATHY, DOMINANT INTERMEDIATE C. Identifiers: Orphanet 100045, MedGen C1842237, MONDO:0012012, OMIM 608323.

Submission:

Labcorp Genetics (formerly Invitae), Labcorp
Classification: Uncertain significance for Charcot-Marie-Tooth disease dominant intermediate C. Last evaluated: 2021-02-22. Review status: criteria provided, single submitter. Criteria: Invitae Variant Classification Sherloc (09022015). Collection method: clinical testing. Allele origin: germline.
Comment: In summary, the available evidence is currently insufficient to determine the role of this variant in disease. Therefore, it has been classified as a Variant of Uncertain Significance. This sequence change replaces lysine with glutamic acid at codon 348 of the YARS protein (p.Lys348Glu). The lysine residue is highly conserved and there is a small physicochemical difference between lysine and glutamic acid. Algorithms developed to predict the effect of sequence changes on RNA splicing suggest that this variant may create or strengthen a splice site, but this prediction has not been confirmed by published transcriptional studies. Algorithms developed to predict the effect of missense changes on protein structure and function are either unavailable or do not agree on the potential impact of this missense change (SIFT: "Not Available"; PolyPhen-2: "Benign"; Align-GVGD: "Not Available"). This variant has not been reported in the literature in individuals with YARS-related conditions. This variant is not present in population databases (ExAC no frequency).

NM_003680.4(YARS1):c.1042A>G (p.Lys348Glu)

Gene: YARS1 (tyrosyl-tRNA synthetase 1; minus strand). Cytogenetic location: 1p35.1.
Variant type: single nucleotide variant.
Coding change: c.1042A>G on transcript NM_003680.4 (MANE Select); coding-DNA position 1042, A replaced by G.
Protein change: p.Lys348Glu; replaces lysine 348 with glutamic acid.
Molecular consequence: missense variant.
Genome position (GRCh38, 1-based): chr1:32,782,404, T>C on the plus strand (A>G on the coding strand, the complement: YARS1 is on the minus strand). VCF-style: chr1-32782404-T-C. GRCh37 (hg19) VCF-style: chr1-33248005-T-C.
Other names: short protein forms K348E.
Identifiers: ClinVar variation 1681498 (VCV001681498.6), dbSNP rs2148601296, ClinGen allele CA339683240.
Genomic context (GRCh38, chr1:32,782,404, plus strand): 5'-CAAGGCTCATTGACAAGCTCTCTCTCCTGATGATGTCGGCCCCTCTCCAGCTGGCCTTAC[T>C]CTGCTTTGAGGGATCTGGGTAGGCAGCGCTGGCCAGTTTTTTCAGGGCAGGGGTATTAAA-3'
Protein context (NP_003671.1, residues 338-358): SAAYPDPSKQ[Lys348Glu]PMAKGPAKNS